The following is an entry in ClinVar:

ClinVar aggregate classification (germline): Uncertain significance. Review status: criteria provided, multiple submitters, no conflicts (2 of 4 stars). 2 submissions from 2 submitters: Uncertain significance (2). Last evaluated 2024-03-06.

Conditions:
Cardiomyopathy (CMYO). Also called: Cardiomyopathies. Identifiers: Orphanet 167848, MedGen C0878544, MONDO:0004994, HP:0001638. Inheritance: Various modes of inheritance.
Hypertrophic cardiomyopathy. Also called: HYPERTROPHIC MYOCARDIOPATHY. Identifiers: Orphanet 217569, MedGen C0007194, MeSH D002312, MONDO:0005045, HP:0001639.

Allele frequency attached by ClinVar (database versions not stated): gnomAD exomes below 0.00001.
gnomAD v4.1: 1 of 1,613,766 alleles (0.000062%); highest among the groups gnomAD compares: Non-Finnish European, 0.000085%; no homozygotes.

Submissions (2):

Color Diagnostics, LLC DBA Color Health
Classification: Uncertain significance for Cardiomyopathy. Last evaluated: 2024-03-06. Review status: criteria provided, single submitter. Criteria: ACMG Guidelines, 2015. Collection method: clinical testing. Allele origin: germline.
Comment: This missense variant replaces lysine with asparagine at codon 1211 of the MYBPC3 protein. Computational prediction tools indicate that this variant has a neutral impact on protein structure and function. To our knowledge, functional studies have not been reported for this variant. This variant has not been reported in individuals affected with MYBPC3-related disorders in the literature. This variant has not been identified in the general population by the Genome Aggregation Database (gnomAD). The available evidence is insufficient to determine the role of this variant in disease conclusively. Therefore, this variant is classified as a Variant of Uncertain Significance.

All of Us Research Program, National Institutes of Health
Classification: Uncertain significance for Hypertrophic cardiomyopathy. Last evaluated: 2024-02-22. Review status: criteria provided, single submitter. Criteria: ACMG Guidelines, 2015. Collection method: clinical testing. Allele origin: germline. Inheritance: Autosomal dominant inheritance. Observed: 1 variant allele, 1 heterozygote.
Comment: This missense variant replaces lysine with asparagine at codon 1211 of the MYBPC3 protein. Computational prediction suggests that this variant may not impact protein structure and function (internally defined REVEL score threshold <= 0.5, PMID: 27666373). To our knowledge, functional studies have not been reported for this variant. This variant has not been reported in individuals affected with cardiovascular disorders in the literature. This variant has not been identified in the general population by the Genome Aggregation Database (gnomAD). The available evidence is insufficient to determine the role of this variant in disease conclusively. Therefore, this variant is classified as a Variant of Uncertain Significance.

This study involves interpretation of variants in research participants for the purpose of population health screening. Participant phenotype was not available at the time of variant classification. Additional details can be found in publication PMID: 35346344, PMCID: PMC8962531

NM_000256.3(MYBPC3):c.3633G>T (p.Lys1211Asn)

Gene: MYBPC3 (myosin binding protein C3; minus strand). Cytogenetic location: 11p11.2.
Variant type: single nucleotide variant.
Coding change: c.3633G>T on transcript NM_000256.3 (MANE Select); coding-DNA position 3633, G replaced by T.
Protein change: p.Lys1211Asn; replaces lysine 1211 with asparagine.
Molecular consequence: missense variant.
Genome position (GRCh38, 1-based): chr11:47,332,253, C>A on the plus strand (G>T on the coding strand, the complement: MYBPC3 is on the minus strand). VCF-style: chr11-47332253-C-A. GRCh37 (hg19) VCF-style: chr11-47353804-C-A.
Other names: short protein forms K1211N.
Identifiers: ClinVar variation 1172045 (VCV001172045.4), dbSNP rs2095877907, ClinGen allele CA380311981.
Genomic context (GRCh38, chr11:47,332,253, plus strand): 5'-GCTGAACATGCGGAAGCGGGCGTCTTCTCCCAGGTCCAGGCCATTCTTGAACCAGGAAAT[C>A]TTGGGCTATAAATAAGGTAAAGAGAGGGAGGGAAGCCATCCAGGCTGAGAGGGGACCTGG-3'
Protein context (NP_000247.2, residues 1201-1221): CCAVRGSPKP[Lys1211Asn]ISWFKNGLDL